The following is an entry in ClinVar:

NM_001148.6(ANK2):c.1793C>T (p.Thr598Ile)

Gene: ANK2 (ankyrin 2; plus strand). Cytogenetic location: 4q26.
Variant type: single nucleotide variant.
Coding change: c.1793C>T on transcript NM_001148.6 (MANE Select); coding-DNA position 1793, C replaced by T.
Protein change: p.Thr598Ile; replaces threonine 598 with isoleucine.
Molecular consequence: missense variant. On other transcripts: intron variant (10).
Genome position (GRCh38, 1-based): chr4:113,278,470, C>T. VCF-style: chr4-113278470-C-T. GRCh37 (hg19) VCF-style: chr4-114199626-C-T.
Other names: c.1730C>T, p.Thr577Ile (NM_001127493.3, NM_001354239.2, NM_001354256.2 and 10 more transcripts); c.1793C>T, p.Thr598Ile (NM_001354225.2, NM_001354228.2, NM_001354232.2 and 6 more transcripts); c.1838C>T, p.Thr613Ile (NM_001354230.2, NM_001354231.2, NM_001354237.2 and 5 more transcripts); c.1751C>T, p.Thr584Ile (NM_001354261.2, NM_001386147.1, NM_001386160.1); c.1706C>T, p.Thr569Ile (NM_001354264.2, NM_001354266.2, NM_001354267.2 and 10 more transcripts); c.1583C>T, p.Thr528Ile (NM_001354269.3); c.1781C>T, p.Thr594Ile (NM_001386148.2, NM_001386186.2); c.1508C>T, p.Thr503Ile (NM_001386157.1, NM_001354277.2); and 8 more; short protein forms T569I, T503I, T528I, T594I, T607I, T615I, T584I, T613I.
Identifiers: ClinVar variation 2339464 (VCV002339464.5), dbSNP rs940308664, ClinGen allele CA103784765.

ClinVar aggregate classification (germline): Uncertain significance. Review status: criteria provided, multiple submitters, no conflicts (2 of 4 stars). 2 submissions from 2 submitters: Uncertain significance (2). Last evaluated 2022-12-27.

Conditions:
Long QT syndrome (LQTS). Identifiers: MedGen C0023976, MeSH D008133, MONDO:0002442. Disease mechanism: loss of function. Inheritance: Various modes of inheritance.
Cardiovascular phenotype. Identifiers: MedGen CN230736.

Allele frequency attached by ClinVar (database versions not stated): TOPMed below 0.00001; gnomAD 0.00001.
gnomAD v4.1: 1 of 1,613,816 alleles (0.000062%); highest among the groups gnomAD compares: Non-Finnish European, 0.000085%; no homozygotes.

Submissions (2):

Ambry Genetics
Classification: Uncertain significance for Cardiovascular phenotype. Last evaluated: 2022-12-27. Review status: criteria provided, single submitter. Criteria: Ambry Variant Classification Scheme 2023. Collection method: clinical testing. Allele origin: germline.

Labcorp Genetics (formerly Invitae), Labcorp
Classification: Uncertain significance for Long QT syndrome. Last evaluated: 2022-12-23. Review status: criteria provided, single submitter. Criteria: Invitae Variant Classification Sherloc (09022015). Collection method: clinical testing. Allele origin: germline.
Comment: In summary, the available evidence is currently insufficient to determine the role of this variant in disease. Therefore, it has been classified as a Variant of Uncertain Significance. Advanced modeling of protein sequence and biophysical properties (such as structural, functional, and spatial information, amino acid conservation, physicochemical variation, residue mobility, and thermodynamic stability) has been performed at Invitae for this missense variant, however the output from this modeling did not meet the statistical confidence thresholds required to predict the impact of this variant on ANK2 protein function. This variant has not been reported in the literature in individuals affected with ANK2-related conditions. This variant is present in population databases (no rsID available, gnomAD 0.0009%). This sequence change replaces threonine, which is neutral and polar, with isoleucine, which is neutral and non-polar, at codon 598 of the ANK2 protein (p.Thr598Ile).